The following is an entry in ClinVar:

NM_177438.3(DICER1):c.3688C>T (p.Gln1230Ter)

Gene: DICER1 (dicer 1, ribonuclease III; minus strand). Cytogenetic location: 14q32.13.
Variant type: single nucleotide variant.
Coding change: c.3688C>T on transcript NM_177438.3 (MANE Select); coding-DNA position 3688, C replaced by T.
Protein change: p.Gln1230Ter; replaces glutamine 1230 with a stop codon.
Molecular consequence: nonsense.
Genome position (GRCh38, 1-based): chr14:95,103,708, G>A on the plus strand (C>T on the coding strand, the complement: DICER1 is on the minus strand). VCF-style: chr14-95103708-G-A. GRCh37 (hg19) VCF-style: chr14-95570045-G-A.
Other names: c.3688C>T, p.Gln1230Ter (NM_001195573.1, NM_001271282.3, NM_001291628.2 and 1 more transcripts); short protein forms Q1230*.
Identifiers: ClinVar variation 576876 (VCV000576876.10), dbSNP rs1566767799, ClinGen allele CA390874351.

ClinVar aggregate classification (germline): Pathogenic. Review status: criteria provided, multiple submitters, no conflicts (2 of 4 stars). 2 submissions from 2 submitters: Pathogenic (2). Last evaluated 2018-04-18.

Conditions:
Hereditary cancer-predisposing syndrome. Also called: Hereditary neoplastic syndrome; Tumor predisposition; Hereditary Cancer Syndrome; Neoplastic Syndromes, Hereditary. Identifiers: Orphanet 140162, MedGen C0027672, MeSH D009386, MONDO:0015356.
DICER1-related tumor predisposition. Also called: DICER1 syndrome; DICER1-related pleuropulmonary blastoma cancer predisposition syndrome. Identifiers: Orphanet 284343, MedGen C3839822, MONDO:0100216.

Allele frequency attached by ClinVar (database versions not stated): gnomAD exomes below 0.00001.
gnomAD v4.1: 1 of 1,614,228 alleles (0.000062%); highest among the groups gnomAD compares: Non-Finnish European, 0.000085%; no homozygotes.

Submissions (2):

Labcorp Genetics (formerly Invitae), Labcorp
Classification: Pathogenic for DICER1-related tumor predisposition. Last evaluated: 2018-04-18. Review status: criteria provided, single submitter. Criteria: Invitae Variant Classification Sherloc (09022015). Collection method: clinical testing. Allele origin: germline.
Comment: Loss-of-function variants in DICER1 are known to be pathogenic (PMID: 19556464, 21266384). For these reasons, this variant has been classified as Pathogenic. This variant has not been reported in the literature in individuals with DICER1-related disease. This variant is not present in population databases (ExAC no frequency). This sequence change creates a premature translational stop signal (p.Gln1230*) in the DICER1 gene. It is expected to result in an absent or disrupted protein product.

Ambry Genetics
Classification: Pathogenic for Hereditary cancer-predisposing syndrome. Last evaluated: 2018-02-08. Review status: criteria provided, single submitter. Criteria: Ambry Variant Classification Scheme 2023. Collection method: clinical testing. Allele origin: germline.
Comment: The p.Q1230* pathogenic mutation (also known as c.3688C>T), located in coding exon 20 of the DICER1 gene, results from a C to T substitution at nucleotide position 3688. This changes the amino acid from a glutamine to a stop codon within coding exon 20. This alteration is expected to result in loss of function by premature protein truncation or nonsense-mediated mRNA decay. As such, this alteration is interpreted as a disease-causing mutation.

Literature cited by the submitters: PubMed 19556464 (cited by Labcorp Genetics (formerly Invitae), Labcorp); PubMed 21266384 (cited by Labcorp Genetics (formerly Invitae), Labcorp).